The following is an entry in ClinVar:

ClinVar aggregate classification (germline): Uncertain significance (1 of 4 stars; one submission).

Submission:

CeGaT Center for Human Genetics Tuebingen
Classification: Uncertain significance. Last evaluated: 2023-10-01. Review status: criteria provided, single submitter. Criteria: CeGaT Center For Human Genetics Tuebingen Variant Classification Criteria Version 2. Collection method: clinical testing. Allele origin: germline. Affected: yes. Observed: 1 variant allele.
Comment: SCN2A: PM2

NM_001040142.2(SCN2A):c.1474A>C (p.Lys492Gln)

Gene: SCN2A (sodium voltage-gated channel alpha subunit 2; plus strand). Cytogenetic location: 2q24.3.
Variant type: single nucleotide variant.
Coding change: c.1474A>C on transcript NM_001040142.2 (MANE Select); coding-DNA position 1474, A replaced by C.
Protein change: p.Lys492Gln; replaces lysine 492 with glutamine.
Molecular consequence: missense variant.
Genome position (GRCh38, 1-based): chr2:165,315,561, A>C. VCF-style: chr2-165315561-A-C. GRCh37 (hg19) VCF-style: chr2-166172071-A-C.
Other names: c.1474A>C, p.Lys492Gln (NM_001040143.2, NM_001371246.1, NM_001371247.1 and 1 more transcripts); short protein forms K492Q.
Identifiers: ClinVar variation 2651484 (VCV002651484.24), dbSNP rs1553569588, ClinGen allele CA349023000.